The following is an entry in ClinVar:

NM_020778.5(ALPK3):c.2673C>G (p.His891Gln)

Gene: ALPK3 (alpha kinase 3; plus strand). Cytogenetic location: 15q25.3.
Variant type: single nucleotide variant.
Coding change: c.2673C>G on transcript NM_020778.5 (MANE Select); coding-DNA position 2673, C replaced by G.
Protein change: p.His891Gln; replaces histidine 891 with glutamine.
Molecular consequence: missense variant.
Genome position (GRCh38, 1-based): chr15:84,857,411, C>G. VCF-style: chr15-84857411-C-G. GRCh37 (hg19) VCF-style: chr15-85400642-C-G.
Other names: short protein forms H891Q.
Identifiers: ClinVar variation 4613506 (VCV004613506.1).

ClinVar aggregate classification (germline): Uncertain significance (1 of 4 stars; one submission).

Conditions:
Cardiovascular phenotype. Identifiers: MedGen CN230736.

gnomAD v4.1: 1 of 1,614,090 alleles (0.000062%); highest among the groups gnomAD compares: Non-Finnish European, 0.000085%; no homozygotes.

Submission:

Ambry Genetics
Classification: Uncertain significance for Cardiovascular phenotype. Last evaluated: 2025-11-07. Review status: criteria provided, single submitter. Criteria: Ambry Variant Classification Scheme 2023. Collection method: clinical testing. Allele origin: germline.
Comment: The p.H1093Q variant (also known as c.3279C>G), located in coding exon 6 of the ALPK3 gene, results from a C to G substitution at nucleotide position 3279. The histidine at codon 1093 is replaced by glutamine, an amino acid with highly similar properties. This amino acid position is conserved. In addition, this alteration is predicted to be tolerated by in silico analysis. Based on the available evidence, the clinical significance of this variant remains unclear.